The following is an entry in ClinVar:

ClinVar aggregate classification (germline): Uncertain significance. Review status: criteria provided, multiple submitters, no conflicts (2 of 4 stars). 2 submissions from 2 submitters: Uncertain significance (2). Last evaluated 2024-01-19.

Conditions:
Bethlem myopathy 1A. Also called: Bethlem myopathy 1; MYOPATHY, BENIGN CONGENITAL, WITH CONTRACTURES; Bethlem Muscular Dystrophy. Identifiers: Orphanet 610, MedGen CN029274, MONDO:0024530, OMIM 158810.

Allele frequency attached by ClinVar (database versions not stated): gnomAD exomes below 0.00001; ExAC 0.00001; gnomAD 0.00001; 1000 Genomes Project 0.00020; 1000 Genomes Project 30x 0.00031.
gnomAD v4.1: 8 of 1,614,194 alleles (0.0005%); highest among the groups gnomAD compares: Non-Finnish European, 0.00068%; no homozygotes.

Submissions (2):

Labcorp Genetics (formerly Invitae), Labcorp
Classification: Uncertain significance for Bethlem myopathy 1A. Last evaluated: 2024-01-19. Review status: criteria provided, single submitter. Criteria: Invitae Variant Classification Sherloc (09022015). Collection method: clinical testing. Allele origin: germline.
Comment: This sequence change replaces threonine, which is neutral and polar, with asparagine, which is neutral and polar, at codon 253 of the COL6A3 protein (p.Thr253Asn). This variant is present in population databases (rs201283466, gnomAD 0.0009%). This variant has not been reported in the literature in individuals affected with COL6A3-related conditions. ClinVar contains an entry for this variant (Variation ID: 283272). Advanced modeling of protein sequence and biophysical properties (such as structural, functional, and spatial information, amino acid conservation, physicochemical variation, residue mobility, and thermodynamic stability) performed at Invitae indicates that this missense variant is not expected to disrupt COL6A3 protein function with a negative predictive value of 95%. In summary, the available evidence is currently insufficient to determine the role of this variant in disease. Therefore, it has been classified as a Variant of Uncertain Significance.

Eurofins Ntd Llc (ga)
Classification: Uncertain significance. Last evaluated: 2015-09-09. Review status: criteria provided, single submitter. Criteria: EGL Classification Definitions 2015. Collection method: clinical testing. Allele origin: germline. Observed: 1 variant allele, 1 heterozygote.

NM_004369.4(COL6A3):c.758C>A (p.Thr253Asn)

Gene: COL6A3 (collagen type VI alpha 3 chain; minus strand). Cytogenetic location: 2q37.3.
Variant type: single nucleotide variant.
Coding change: c.758C>A on transcript NM_004369.4 (MANE Select); coding-DNA position 758, C replaced by A.
Protein change: p.Thr253Asn; replaces threonine 253 with asparagine.
Molecular consequence: missense variant. On other transcripts: intron variant (2).
Genome position (GRCh38, 1-based): chr2:237,388,136, G>T on the plus strand (C>A on the coding strand, the complement: COL6A3 is on the minus strand). VCF-style: chr2-237388136-G-T. GRCh37 (hg19) VCF-style: chr2-238296779-G-T.
Other names: c.140C>A, p.Thr47Asn (NM_057165.5, NM_057167.4); c.92-6637C>A (NM_057166.5, NM_057164.5); short protein forms T253N, T47N.
Identifiers: ClinVar variation 283272 (VCV000283272.9), dbSNP rs201283466, ClinGen allele CA2189786.